The following is an entry in ClinVar:

ClinVar aggregate classification (germline): Uncertain significance (1 of 4 stars; one submission).

Allele frequency attached by ClinVar (database versions not stated): gnomAD exomes below 0.00001; gnomAD 0.00001.
gnomAD v4.1: 3 of 1,613,552 alleles (0.00019%); highest among the groups gnomAD compares: Non-Finnish European, 0.00025%; no homozygotes.

Submission:

Labcorp Genetics (formerly Invitae), Labcorp
Classification: Uncertain significance. Last evaluated: 2022-05-05. Review status: criteria provided, single submitter. Criteria: Invitae Variant Classification Sherloc (09022015). Collection method: clinical testing. Allele origin: germline.
Comment: In summary, the available evidence is currently insufficient to determine the role of this variant in disease. Therefore, it has been classified as a Variant of Uncertain Significance. Algorithms developed to predict the effect of missense changes on protein structure and function (SIFT, PolyPhen-2, Align-GVGD) all suggest that this variant is likely to be tolerated. This variant has not been reported in the literature in individuals affected with SIN3A-related conditions. This variant is present in population databases (no rsID available, gnomAD 0.002%). This sequence change replaces valine, which is neutral and non-polar, with phenylalanine, which is neutral and non-polar, at codon 773 of the SIN3A protein (p.Val773Phe).

NM_001145358.2(SIN3A):c.2317G>T (p.Val773Phe)

Gene: SIN3A (SIN3 transcription regulator family member A; minus strand). Cytogenetic location: 15q24.2.
Variant type: single nucleotide variant.
Coding change: c.2317G>T on transcript NM_001145358.2 (MANE Select); coding-DNA position 2317, G replaced by T.
Protein change: p.Val773Phe; replaces valine 773 with phenylalanine.
Molecular consequence: missense variant.
Genome position (GRCh38, 1-based): chr15:75,392,776, C>A on the plus strand (G>T on the coding strand, the complement: SIN3A is on the minus strand). VCF-style: chr15-75392776-C-A. GRCh37 (hg19) VCF-style: chr15-75685117-C-A.
Other names: c.2317G>T, p.Val773Phe (NM_001145357.2, NM_015477.3); short protein forms V773F.
Identifiers: ClinVar variation 1955184 (VCV001955184.5), dbSNP rs1268155139, ClinGen allele CA393492363.